The following is an entry in ClinVar:

NM_001164508.2(NEB):c.17019_17020del (p.Tyr5674fs)

Gene: NEB (nebulin; minus strand). Cytogenetic location: 2q23.3.
Variant type: Deletion.
Coding change: c.17019_17020del on transcript NM_001164508.2 (MANE Select); coding-DNA positions 17019 to 17020, 2 bases deleted (TT; older notation c.17019_17020delTT).
Protein change: p.Tyr5674fs; shifts the reading frame from tyrosine 5674.
Molecular consequence: frameshift variant.
Genome position (GRCh38, 1-based): chr2:151,570,595-151,570,596, AA deleted on the plus strand (TT on the coding strand, the reverse complement: NEB is on the minus strand); deleting any 2 consecutive bases within chr2:151,570,595-151,570,597 gives the same sequence; the c. name uses the placement nearest the transcript's 3' end. VCF-style (leftmost placement, unchanged base first): chr2-151570594-TAA-T. GRCh37 (hg19) VCF-style: chr2-152427108-TAA-T.
Other names: c.17019_17020del, p.Tyr5674fs (NM_001164507.2, NM_001271208.2); c.17018_17019delTT, p.Tyr5674Profs (NM_001271208.1); c.11916_11917del, p.Tyr3973fs (NM_004543.5); c.17019_17020del (NM_001271208.1); short protein forms Y3973fs, Y5674fs.
Identifiers: ClinVar variation 2740370 (VCV002740370.4), dbSNP rs2096589470, ClinGen allele CA1298182606.

ClinVar aggregate classification (germline): Pathogenic/Likely pathogenic. Review status: criteria provided, multiple submitters, no conflicts (2 of 4 stars). 2 submissions from 2 submitters: Pathogenic (1); Likely pathogenic (1). Last evaluated 2024-02-10.

Conditions:
Arthrogryposis multiplex congenita 6. Identifiers: MedGen C5543431, MONDO:0030281, OMIM 619334.
Nemaline myopathy 2 (NEM2). Also called: Nemaline myopathy 2, autosomal recessive. Identifiers: MedGen C1850569, MONDO:0009725, OMIM 256030.

Submissions (2):

Baylor Genetics
Classification: Likely pathogenic for Arthrogryposis multiplex congenita 6. Last evaluated: 2024-02-10. Review status: criteria provided, single submitter. Criteria: ACMG Guidelines, 2015. Collection method: clinical testing. Allele origin: unknown.

Labcorp Genetics (formerly Invitae), Labcorp
Classification: Pathogenic for Nemaline myopathy 2. Last evaluated: 2023-07-10. Review status: criteria provided, single submitter. Criteria: Invitae Variant Classification Sherloc (09022015). Collection method: clinical testing. Allele origin: germline.
Comment: For these reasons, this variant has been classified as Pathogenic. This variant has not been reported in the literature in individuals affected with NEB-related conditions. This variant is not present in population databases (gnomAD no frequency). This sequence change creates a premature translational stop signal (p.Tyr5674Profs*2) in the NEB gene. It is expected to result in an absent or disrupted protein product. Loss-of-function variants in NEB are known to be pathogenic (PMID: 25205138).

Literature cited by the submitters: PubMed 25205138 (cited by Labcorp Genetics (formerly Invitae), Labcorp).